The following is an entry in ClinVar:

NM_003896.4(ST3GAL5):c.289dup (p.Met97fs)

Gene: ST3GAL5 (ST3 beta-galactoside alpha-2,3-sialyltransferase 5; minus strand). Cytogenetic location: 2p11.2.
Variant type: Duplication.
Coding change: c.289dup on transcript NM_003896.4 (MANE Select); coding-DNA position 289, one base duplicated (A; older notation c.289dupA).
Protein change: p.Met97fs; shifts the reading frame from methionine 97.
Molecular consequence: frameshift variant. On other transcripts: 5 prime UTR variant (5).
Genome position (GRCh38, 1-based): chr2:85,861,210, T duplicated on the plus strand (A on the coding strand, the reverse complement: ST3GAL5 is on the minus strand); the first of 7 consecutive T bases (chr2:85,861,210-85,861,216); duplicating any one gives the same sequence. VCF-style (leftmost placement, unchanged base first): chr2-85861209-A-AT. GRCh37 (hg19) VCF-style: chr2-86088332-A-AT.
Other names: c.220dup, p.Met74fs (NM_001042437.2); c.-273dup (NM_001354223.2, NM_001354226.2); c.-336dup (NM_001354224.2); c.205dup, p.Met69fs (NM_001354227.2, NM_001354229.2, NM_001354238.1); c.-713dup (NM_001354233.2); c.-677dup (NM_001354234.1); c.289dup, p.Met97fs (NM_001363847.1); short protein forms M69fs, M74fs, M97fs.
Identifiers: ClinVar variation 2714495 (VCV002714495.3), dbSNP rs779767507, ClinGen allele CA645523838.

ClinVar aggregate classification (germline): Pathogenic (1 of 4 stars; one submission).

Conditions:
GM3 synthase deficiency (SPDRS). Also called: AMISH INFANTILE EPILEPSY SYNDROME; SALT AND PEPPER MENTAL RETARDATION SYNDROME; SALT AND PEPPER DEVELOPMENTAL REGRESSION SYNDROME. Identifiers: Orphanet 171714, Orphanet 370933, MedGen C1836824, MONDO:0018274, OMIM 609056.

Submission:

Labcorp Genetics (formerly Invitae), Labcorp
Classification: Pathogenic for GM3 synthase deficiency. Last evaluated: 2024-01-31. Review status: criteria provided, single submitter. Criteria: Invitae Variant Classification Sherloc (09022015). Collection method: clinical testing. Allele origin: germline.
Comment: This sequence change creates a premature translational stop signal (p.Met97Asnfs*7) in the ST3GAL5 gene. It is expected to result in an absent or disrupted protein product. Loss-of-function variants in ST3GAL5 are known to be pathogenic (PMID: 15502825, 22990144, 27232954). This variant is not present in population databases (gnomAD no frequency). This variant has not been reported in the literature in individuals affected with ST3GAL5-related conditions. Algorithms developed to predict the effect of sequence changes on RNA splicing suggest that this variant may disrupt the consensus splice site. For these reasons, this variant has been classified as Pathogenic.

Literature cited by the submitters: PubMed 15502825; PubMed 22990144; PubMed 27232954.